The following is an entry in ClinVar:

NM_001080449.3(DNA2):c.2156G>T (p.Arg719Ile)

Gene: DNA2 (DNA replication helicase/nuclease 2; minus strand). Cytogenetic location: 10q21.3.
Variant type: single nucleotide variant.
Coding change: c.2156G>T on transcript NM_001080449.3 (MANE Select); coding-DNA position 2156, G replaced by T.
Protein change: p.Arg719Ile; replaces arginine 719 with isoleucine.
Molecular consequence: missense variant. On other transcripts: non-coding transcript variant (1).
Genome position (GRCh38, 1-based): chr10:68,430,488, C>A on the plus strand (G>T on the coding strand, the complement: DNA2 is on the minus strand). VCF-style: chr10-68430488-C-A. GRCh37 (hg19) VCF-style: chr10-70190245-C-A.
Other names: short protein forms R719I.
Identifiers: ClinVar variation 1033659 (VCV001033659.1), dbSNP rs2051805505, ClinGen allele CA376853829.
Genomic context (GRCh38, chr10:68,430,488, plus strand): 5'-GTGCTTACTTGACTATTGTAGAGTTCTTCTAGAAGAGCTAAGGATTTAATGGACTTTGAT[C>A]TGCAAATTTCTTGCTCTGTAAATTGCTGGATAGCTGGATGAACCTTCTGAATCTGACCCA-3'
Protein context (NP_001073918.2, residues 709-729): IQQFTEQEIC[Arg719Ile]SKSIKSLALL

ClinVar aggregate classification (germline): Uncertain significance (1 of 4 stars; one submission).

Conditions:
Seckel syndrome 8 (SCKL8). Identifiers: Orphanet 808, MedGen C3891452, MONDO:0014350, OMIM 615807.

Submission:

Baylor Genetics
Classification: Uncertain significance for Seckel syndrome 8. Last evaluated: 2018-05-08. Review status: criteria provided, single submitter. Criteria: ACMG Guidelines, 2015. Collection method: clinical testing. Allele origin: maternal. Affected: yes.
Comment: This variant was determined to be of uncertain significance according to ACMG Guidelines, 2015 [PMID:25741868].